The following is an entry in ClinVar:

NM_003638.3(ITGA8):c.1079T>G (p.Ile360Ser)

Gene: ITGA8 (integrin subunit alpha 8; minus strand). Cytogenetic location: 10p13.
Variant type: single nucleotide variant.
Coding change: c.1079T>G on transcript NM_003638.3 (MANE Select); coding-DNA position 1079, T replaced by G.
Protein change: p.Ile360Ser; replaces isoleucine 360 with serine.
Molecular consequence: missense variant.
Genome position (GRCh38, 1-based): chr10:15,646,974, A>C on the plus strand (T>G on the coding strand, the complement: ITGA8 is on the minus strand). VCF-style: chr10-15646974-A-C. GRCh37 (hg19) VCF-style: chr10-15688973-A-C.
Other names: c.1034T>G, p.Ile345Ser (NM_001291494.2); short protein forms I345S, I360S.
Identifiers: ClinVar variation 2100027 (VCV002100027.4), dbSNP rs2491138706, ClinGen allele CA376101494.

ClinVar aggregate classification (germline): Uncertain significance (1 of 4 stars; one submission).

Submission:

Labcorp Genetics (formerly Invitae), Labcorp
Classification: Uncertain significance. Last evaluated: 2022-02-24. Review status: criteria provided, single submitter. Criteria: Invitae Variant Classification Sherloc (09022015). Collection method: clinical testing. Allele origin: germline.
Comment: In summary, the available evidence is currently insufficient to determine the role of this variant in disease. Therefore, it has been classified as a Variant of Uncertain Significance. Algorithms developed to predict the effect of missense changes on protein structure and function are either unavailable or do not agree on the potential impact of this missense change (SIFT: "Deleterious"; PolyPhen-2: "Benign"; Align-GVGD: "Class C0"). This variant has not been reported in the literature in individuals affected with ITGA8-related conditions. This variant is not present in population databases (gnomAD no frequency). This sequence change replaces isoleucine, which is neutral and non-polar, with serine, which is neutral and polar, at codon 360 of the ITGA8 protein (p.Ile360Ser).